The following is an entry in ClinVar:

NM_001197104.2(KMT2A):c.6200G>A (p.Arg2067His)

Gene: KMT2A (lysine methyltransferase 2A; plus strand). Cytogenetic location: 11q23.3.
Variant type: single nucleotide variant.
Coding change: c.6200G>A on transcript NM_001197104.2 (MANE Select); coding-DNA position 6200, G replaced by A.
Protein change: p.Arg2067His; replaces arginine 2067 with histidine.
Molecular consequence: missense variant.
Genome position (GRCh38, 1-based): chr11:118,501,028, G>A. VCF-style: chr11-118501028-G-A. GRCh37 (hg19) VCF-style: chr11-118371743-G-A.
Other names: c.6191G>A, p.Arg2064His (NM_005933.4); short protein forms R2064H, R2067H.
Identifiers: ClinVar variation 1470876 (VCV001470876.8), dbSNP rs782768278, ClinGen allele CA6304207.
Genomic context (GRCh38, chr11:118,501,028, plus strand): 5'-CCCAAATCTGTTTACCCAGGTGTTCCAGGGTATACTGGAGCACCACAGATGCTCGCAAGC[G>A]CTGTGTATATACATGCAAGATAGTGGAGTGCCGTCCTCCAGTCGTAGAGCCGGATATCAA-3'
Protein context (NP_001184033.1, residues 2057-2077): VYWSTTDARK[Arg2067His]CVYTCKIVEC

ClinVar aggregate classification (germline): Uncertain significance (1 of 4 stars; one submission).

Allele frequency attached by ClinVar (database versions not stated): gnomAD exomes below 0.00001 and 0.00001; gnomAD 0.00001; ExAC 0.00002.
gnomAD v4.1: 5 of 1,613,792 alleles (0.00031%); highest among the groups gnomAD compares: Non-Finnish European, 0.00042%; no homozygotes.

Submission:

Labcorp Genetics (formerly Invitae), Labcorp
Classification: Uncertain significance. Last evaluated: 2025-08-09. Review status: criteria provided, single submitter. Criteria: Invitae Variant Classification Sherloc (09022015). Collection method: clinical testing. Allele origin: germline.
Comment: This sequence change replaces arginine, which is basic and polar, with histidine, which is basic and polar, at codon 2067 of the KMT2A protein (p.Arg2067His). This variant is present in population databases (rs782768278, gnomAD 0.0009%). This missense change has been observed in individual(s) with a neurodevelopmental disorder (PMID: 33004838). ClinVar contains an entry for this variant (Variation ID: 1470876). Invitae Evidence Modeling of protein sequence and biophysical properties (such as structural, functional, and spatial information, amino acid conservation, physicochemical variation, residue mobility, and thermodynamic stability) has been performed for this missense variant. However, the output from this modeling did not meet the statistical confidence thresholds required to predict the impact of this variant on KMT2A protein function. In summary, the available evidence is currently insufficient to determine the role of this variant in disease. Therefore, it has been classified as a Variant of Uncertain Significance.

Literature cited by the submitters: PubMed 33004838.